The following is an entry in ClinVar:

ClinVar aggregate classification (germline): Uncertain significance. Review status: criteria provided, multiple submitters, no conflicts (2 of 4 stars). 4 submissions from 4 submitters: Uncertain significance (4). Last evaluated 2025-08-20.

Conditions:
Mandibular hypoplasia-deafness-progeroid syndrome. Also called: Mandibular hypoplasia, deafness, progeroid features, and lipodystrophy syndrome. Identifiers: Orphanet 363649, MedGen C3715192, MONDO:0014157, OMIM 615381.
POLD1-related polyposis and colorectal cancer syndrome (CRCS10). Also called: Colorectal cancer 10; COLORECTAL CANCER, SUSCEPTIBILITY TO, ON CHROMOSOME 19q; Colorectal cancer, susceptibility to, 10. Identifiers: Orphanet 220460, MedGen C2675481, MONDO:0012953, OMIM 612591.
Immunodeficiency 120. Identifiers: MedGen C5935622, MONDO:0970994, OMIM 620836.
Hereditary cancer-predisposing syndrome. Also called: Tumor predisposition; Neoplastic Syndromes, Hereditary; Hereditary Cancer Syndrome; Hereditary neoplastic syndrome. Identifiers: Orphanet 140162, MedGen C0027672, MeSH D009386, MONDO:0015356.

Allele frequency attached by ClinVar (database versions not stated): TOPMed 0.00001.

Submissions (4):

Labcorp Genetics (formerly Invitae), Labcorp
Classification: Uncertain significance for POLD1-related polyposis and colorectal cancer syndrome. Last evaluated: 2025-08-20. Review status: criteria provided, single submitter. Criteria: Invitae Variant Classification Sherloc (09022015). Collection method: clinical testing. Allele origin: germline.
Comment: This sequence change replaces aspartic acid, which is acidic and polar, with glycine, which is neutral and non-polar, at codon 877 of the POLD1 protein (p.Asp877Gly). This variant is not present in population databases (gnomAD no frequency). This variant has not been reported in the literature in individuals affected with POLD1-related conditions. ClinVar contains an entry for this variant (Variation ID: 537108). Invitae Evidence Modeling of protein sequence and biophysical properties (such as structural, functional, and spatial information, amino acid conservation, physicochemical variation, residue mobility, and thermodynamic stability) indicates that this missense variant is expected to disrupt POLD1 protein function with a positive predictive value of 80%. In summary, the available evidence is currently insufficient to determine the role of this variant in disease. Therefore, it has been classified as a Variant of Uncertain Significance.

Ambry Genetics
Classification: Uncertain significance for Hereditary cancer-predisposing syndrome. Last evaluated: 2025-03-05. Review status: criteria provided, single submitter. Criteria: Ambry Variant Classification Scheme 2023. Collection method: clinical testing. Allele origin: germline.
Comment: The p.D877G variant (also known as c.2630A>G), located in coding exon 20 of the POLD1 gene, results from an A to G substitution at nucleotide position 2630. The aspartic acid at codon 877 is replaced by glycine, an amino acid with similar properties. This amino acid position is well conserved in available vertebrate species. In addition, the in silico prediction for this alteration is inconclusive. Based on the available evidence, the clinical significance of this variant remains unclear.

Department of Pathology and Laboratory Medicine, Sinai Health System
Classification: Uncertain significance for POLD1-related polyposis and colorectal cancer syndrome; Mandibular hypoplasia-deafness-progeroid syndrome; Immunodeficiency 120. Last evaluated: 2024-08-15. Review status: criteria provided, single submitter. Criteria: ACMG Guidelines, 2015. Collection method: clinical testing. Allele origin: germline.

GeneDx
Classification: Uncertain significance. Last evaluated: 2023-02-21. Review status: criteria provided, single submitter. Criteria: GeneDx Variant Classification Process June 2021. Collection method: clinical testing. Allele origin: germline. Affected: yes.
Comment: Not observed at significant frequency in large population cohorts (gnomAD); In silico analysis supports that this missense variant has a deleterious effect on protein structure/function; Has not been previously published as pathogenic or benign to our knowledge

NM_002691.4(POLD1):c.2630A>G (p.Asp877Gly)

Gene: POLD1 (DNA polymerase delta 1, catalytic subunit; plus strand). Cytogenetic location: 19q13.33.
Variant type: single nucleotide variant.
Coding change: c.2630A>G on transcript NM_002691.4 (MANE Select); coding-DNA position 2630, A replaced by G.
Protein change: p.Asp877Gly; replaces aspartic acid 877 with glycine.
Molecular consequence: missense variant. On other transcripts: non-coding transcript variant (1).
Genome position (GRCh38, 1-based): chr19:50,415,503, A>G. VCF-style: chr19-50415503-A-G. GRCh37 (hg19) VCF-style: chr19-50918760-A-G.
Other names: c.2630A>G, p.Asp877Gly (NM_001256849.1); c.2708A>G, p.Asp903Gly (NM_001308632.1); short protein forms D903G, D877G.
Identifiers: ClinVar variation 537108 (VCV000537108.15), dbSNP rs1263981527, ClinGen allele CA406985487.
Genomic context (GRCh38, chr19:50,415,503, plus strand): 5'-CTGAGGGCGCGGTGGCTCACGCACAGGACGTCATCTCGGACCTGCTGTGCAACCGCATCG[A>G]TATCTCCCAGCTGGTCATCACCAAGGAGCTGACCCGCGCGGCCTCCGACTATGCCGGCAA-3'
Protein context (NP_002682.2, residues 867-887): VISDLLCNRI[Asp877Gly]ISQLVITKEL